The following is an entry in ClinVar:

ClinVar aggregate classification (germline): Benign. Review status: criteria provided, multiple submitters, no conflicts (2 of 4 stars). 4 submissions from 4 submitters: Benign (3). 1 of the submissions does not count toward it. Last evaluated 2026-01-07.

Conditions:
FZD2-related disorder. Also called: FZD2-related condition.

Allele frequency attached by ClinVar (database versions not stated): 1000 Genomes Project 0.00060; 1000 Genomes Project 30x 0.00062; TOPMed 0.00117; ESP Exome Variant Server 0.00138; gnomAD 0.00287 and 0.00304; gnomAD exomes 0.00299 and 0.00303; ExAC 0.00315.

Submissions (4):

Labcorp Genetics (formerly Invitae), Labcorp
Classification: Benign. Last evaluated: 2026-01-07. Review status: criteria provided, single submitter. Criteria: Invitae Variant Classification Sherloc (09022015). Collection method: clinical testing. Allele origin: germline.

CeGaT Center for Human Genetics Tuebingen
Classification: Benign. Last evaluated: 2025-06-01. Review status: criteria provided, single submitter. Criteria: CeGaT Center For Human Genetics Tuebingen Variant Classification Criteria Version 2. Collection method: clinical testing. Allele origin: germline. Affected: yes. Observed: 2 variant alleles.
Comment: FZD2: PP2, BS1, BS2

Breakthrough Genomics
Classification: Benign. Review status: criteria provided, single submitter. Criteria: ACMG Guidelines, 2015. Collection method: not provided. Allele origin: germline. Inheritance: Autosomal dominant inheritance. Affected: yes.

PreventionGenetics, part of Exact Sciences
Classification: Benign for FZD2-related condition. Last evaluated: 2020-02-04. Review status: no assertion criteria provided. Collection method: clinical testing. Allele origin: germline. Not counted in ClinVar's aggregate classification.
Comment: This variant is classified as benign based on ACMG/AMP sequence variant interpretation guidelines (Richards et al. 2015 PMID: 25741868, with internal and published modifications).

NM_001466.4(FZD2):c.749C>T (p.Thr250Ile)

Gene: FZD2 (frizzled class receptor 2; plus strand). Cytogenetic location: 17q21.31.
Variant type: single nucleotide variant.
Coding change: c.749C>T on transcript NM_001466.4 (MANE Select); coding-DNA position 749, C replaced by T.
Protein change: p.Thr250Ile; replaces threonine 250 with isoleucine.
Molecular consequence: missense variant.
Genome position (GRCh38, 1-based): chr17:44,558,437, C>T. VCF-style: chr17-44558437-C-T. GRCh37 (hg19) VCF-style: chr17-42635805-C-T.
Other names: short protein forms T250I.
Identifiers: ClinVar variation 713708 (VCV000713708.20), dbSNP rs143455997, ClinGen allele CA8604703.